The following is an entry in ClinVar:

NM_001035.3(RYR2):c.9429C>G (p.Ser3143Arg)

Gene: RYR2 (ryanodine receptor 2; plus strand). Cytogenetic location: 1q43.
Variant type: single nucleotide variant.
Coding change: c.9429C>G on transcript NM_001035.3 (MANE Select); coding-DNA position 9429, C replaced by G.
Protein change: p.Ser3143Arg; replaces serine 3143 with arginine.
Molecular consequence: missense variant.
Genome position (GRCh38, 1-based): chr1:237,702,039, C>G. VCF-style: chr1-237702039-C-G. GRCh37 (hg19) VCF-style: chr1-237865339-C-G.
Other names: short protein forms S3143R.
Identifiers: ClinVar variation 2230849 (VCV002230849.5), dbSNP rs2547374836, ClinGen allele CA345406416.

ClinVar aggregate classification (germline): Uncertain significance. Review status: criteria provided, multiple submitters, no conflicts (2 of 4 stars). 3 submissions from 3 submitters: Uncertain significance (3). Last evaluated 2026-04-22.

Conditions:
Catecholaminergic polymorphic ventricular tachycardia 1. Also called: VENTRICULAR TACHYCARDIA, CATECHOLAMINERGIC POLYMORPHIC, 1, WITH OR WITHOUT ATRIAL DYSFUNCTION AND/OR DILATED CARDIOMYOPATHY; RYR2-Related Catecholaminergic Polymorphic Ventricular Tachycardia; VENTRICULAR TACHYCARDIA, STRESS-INDUCED POLYMORPHIC 1. Identifiers: Orphanet 3286, MedGen C1631597, MONDO:0011484, OMIM 604772.
Cardiovascular phenotype. Identifiers: MedGen CN230736.

Submissions (3):

GeneDx
Classification: Uncertain significance. Last evaluated: 2026-04-22. Review status: criteria provided, single submitter. Criteria: GeneDx Variant Classification Process June 2021. Collection method: clinical testing. Allele origin: germline.
Comment: Not observed at significant frequency in large population cohorts (gnomAD); In silico analysis supports that this missense variant has a deleterious effect on protein structure/function; Has not been previously published as pathogenic or benign to our knowledge; Not located in one of the three hot-spot regions of the RYR2 gene, where the majority of pathogenic missense variants occur (PMID: 19926015); This variant is associated with the following publications: (PMID: 19926015)

Labcorp Genetics (formerly Invitae), Labcorp
Classification: Uncertain significance for Catecholaminergic polymorphic ventricular tachycardia 1. Last evaluated: 2024-10-21. Review status: criteria provided, single submitter. Criteria: Invitae Variant Classification Sherloc (09022015). Collection method: clinical testing. Allele origin: germline.
Comment: This sequence change replaces serine, which is neutral and polar, with arginine, which is basic and polar, at codon 3143 of the RYR2 protein (p.Ser3143Arg). This variant is not present in population databases (gnomAD no frequency). This variant has not been reported in the literature in individuals affected with RYR2-related conditions. ClinVar contains an entry for this variant (Variation ID: 2230849). Invitae Evidence Modeling of protein sequence and biophysical properties (such as structural, functional, and spatial information, amino acid conservation, physicochemical variation, residue mobility, and thermodynamic stability) indicates that this missense variant is not expected to disrupt RYR2 protein function with a negative predictive value of 95%. In summary, the available evidence is currently insufficient to determine the role of this variant in disease. Therefore, it has been classified as a Variant of Uncertain Significance.

Ambry Genetics
Classification: Uncertain significance for Cardiovascular phenotype. Last evaluated: 2021-05-03. Review status: criteria provided, single submitter. Criteria: Ambry Variant Classification Scheme 2023. Collection method: clinical testing. Allele origin: germline.